The following is an entry in ClinVar:

NM_000069.3(CACNA1S):c.4549G>A (p.Glu1517Lys)

Gene: CACNA1S (calcium voltage-gated channel subunit alpha1 S; minus strand). Cytogenetic location: 1q32.1.
Variant type: single nucleotide variant.
Coding change: c.4549G>A on transcript NM_000069.3 (MANE Select); coding-DNA position 4549, G replaced by A.
Protein change: p.Glu1517Lys; replaces glutamic acid 1517 with lysine.
Molecular consequence: missense variant.
Genome position (GRCh38, 1-based): chr1:201,047,234, C>T on the plus strand (G>A on the coding strand, the complement: CACNA1S is on the minus strand). VCF-style: chr1-201047234-C-T. GRCh37 (hg19) VCF-style: chr1-201016362-C-T.
Other names: short protein forms E1517K.
Identifiers: ClinVar variation 3071395 (VCV003071395.1), dbSNP rs1381493050, ClinGen allele CA344142599.

ClinVar aggregate classification (germline): Uncertain significance (1 of 4 stars; one submission).

Conditions:
Malignant hyperthermia, susceptibility to, 5 (MHS5). Also called: CACNA1S-Related Malignant Hyperthermia Susceptibility. Identifiers: Orphanet 423, MedGen C1866077, MONDO:0011163, OMIM 601887.

Allele frequency attached by ClinVar (database versions not stated): TOPMed below 0.00001.

Submission:

All of Us Research Program, National Institutes of Health
Classification: Uncertain significance for Malignant hyperthermia, susceptibility to, 5. Last evaluated: 2023-05-31. Review status: criteria provided, single submitter. Criteria: ACMG Guidelines, 2015. Collection method: clinical testing. Allele origin: germline. Inheritance: Autosomal dominant inheritance. Observed: 1 variant allele, 1 heterozygote.
Comment: This study involves interpretation of variants in research participants for the purpose of population health screening. Participant phenotype was not available at the time of variant classification. Additional details can be found in publication PMID: 35346344, PMCID: PMC8962531